The following is an entry in ClinVar:

NM_130839.5(UBE3A):c.578C>G (p.Ala193Gly)

Genes: SNHG14 (small nucleolar RNA host gene 14; plus strand), UBE3A (ubiquitin protein ligase E3A; minus strand). Cytogenetic location: 15q11.2.
Variant type: single nucleotide variant.
Coding change: c.578C>G on transcript NM_130839.5 (MANE Select); coding-DNA position 578, C replaced by G.
Protein change: p.Ala193Gly; replaces alanine 193 with glycine.
Molecular consequence: missense variant. On other transcripts: non-coding transcript variant (1), intron variant (2).
Genome position (GRCh38, 1-based): chr15:25,371,596, G>C on the plus strand (C>G on the coding strand, the complement: UBE3A is on the minus strand). VCF-style: chr15-25371596-G-C. GRCh37 (hg19) VCF-style: chr15-25616743-G-C.
Other names: c.587C>G, p.Ala196Gly (NM_000462.5); c.578C>G, p.Ala193Gly (NM_001354505.1, NM_001354538.2, NM_001354545.2); c.518C>G, p.Ala173Gly (NM_001354506.2, NM_001354507.2, NM_001354508.2 and 17 more transcripts); c.401C>G, p.Ala134Gly (NM_001354546.2); c.301+3869C>G (NM_001354551.2); c.361+3869C>G (NM_001354550.2); short protein forms A173G, A196G, A134G, A193G.
Identifiers: ClinVar variation 962683 (VCV000962683.8), dbSNP rs2080300076, ClinGen allele CA391355526.

ClinVar aggregate classification (germline): Uncertain significance (1 of 4 stars; one submission).

Conditions:
Angelman syndrome (AS). Also called: HAPPY PUPPET SYNDROME. Identifiers: Orphanet 72, MedGen C0162635, MONDO:0007113, OMIM 105830. Disease mechanism: loss of function. Inheritance: AS is caused by disruption of maternally imprinted UBE3A located within the 15q11.2-q13 Angelman syndrome/Prader-Willi syndrome (AS/PWS) region., imprinting disorder.

Allele frequency attached by ClinVar (database versions not stated): gnomAD exomes below 0.00001.
gnomAD v4.1: 1 of 1,614,084 alleles (0.000062%); highest among the groups gnomAD compares: Non-Finnish European, 0.000085%; no homozygotes.

Submission:

Labcorp Genetics (formerly Invitae), Labcorp
Classification: Uncertain significance for Angelman syndrome. Last evaluated: 2019-07-24. Review status: criteria provided, single submitter. Criteria: Invitae Variant Classification Sherloc (09022015). Collection method: clinical testing. Allele origin: germline.
Comment: In summary, the available evidence is currently insufficient to determine the role of this variant in disease. Therefore, it has been classified as a Variant of Uncertain Significance. Algorithms developed to predict the effect of sequence changes on RNA splicing suggest that this variant may create or strengthen a splice site, but this prediction has not been confirmed by published transcriptional studies. Algorithms developed to predict the effect of missense changes on protein structure and function (SIFT, PolyPhen-2, Align-GVGD) all suggest that this variant is likely to be tolerated, but these predictions have not been confirmed by published functional studies and their clinical significance is uncertain. This variant has not been reported in the literature in individuals with UBE3A-related conditions. This variant is not present in population databases (ExAC no frequency). This sequence change replaces alanine with glycine at codon 173 of the UBE3A protein (p.Ala173Gly). The alanine residue is moderately conserved and there is a small physicochemical difference between alanine and glycine.